The following is an entry in ClinVar:

ClinVar aggregate classification (germline): Uncertain significance (1 of 4 stars; one submission).

Conditions:
Inborn genetic diseases. Identifiers: MedGen C0950123, MeSH D030342.

Allele frequency attached by ClinVar (database versions not stated): gnomAD 0.00001; ExAC 0.00002; gnomAD exomes 0.00002; TOPMed 0.00002.
gnomAD v4.1: 26 of 1,613,774 alleles (0.0016%); highest among the groups gnomAD compares: African/African-American, 0.0027%; no homozygotes.

Submission:

Ambry Genetics
Classification: Uncertain significance for Inborn genetic diseases. Last evaluated: 2020-12-07. Review status: criteria provided, single submitter. Criteria: Ambry Variant Classification Scheme 2023. Collection method: clinical testing. Allele origin: germline.
Comment: The c.1105C>T (p.R369C) alteration is located in exon 9 (coding exon 9) of the COG4 gene. This alteration results from a C to T substitution at nucleotide position 1105, causing the arginine (R) at amino acid position 369 to be replaced by a cysteine (C). The in silico prediction for the p.R369C alteration is inconclusive. Based on insufficient or conflicting evidence, the clinical significance of this alteration remains unclear.

NM_015386.3(COG4):c.1105C>T (p.Arg369Cys)

Gene: COG4 (component of oligomeric golgi complex 4; minus strand). Cytogenetic location: 16q22.1.
Variant type: single nucleotide variant.
Coding change: c.1105C>T on transcript NM_015386.3 (MANE Select); coding-DNA position 1105, C replaced by T.
Protein change: p.Arg369Cys; replaces arginine 369 with cysteine.
Molecular consequence: missense variant. On other transcripts: non-coding transcript variant (1).
Genome position (GRCh38, 1-based): chr16:70,501,048, G>A on the plus strand (C>T on the coding strand, the complement: COG4 is on the minus strand). VCF-style: chr16-70501048-G-A. GRCh37 (hg19) VCF-style: chr16-70534951-G-A.
Other names: c.1093C>T, p.Arg365Cys (NM_001195139.2); c.679C>T, p.Arg227Cys (NM_001365426.1); short protein forms R369C, R227C, R365C.
Identifiers: ClinVar variation 2228436 (VCV002228436.2), dbSNP rs752476851, ClinGen allele CA8144441.
Genomic context (GRCh38, chr16:70,501,048, plus strand): 5'-CTCCCACCTCAAAATCAGAGCTAATCCTCTTCTTGAGGAAGCGTAAGTATAGCTCACTGC[G>A]GGCATTCATCAGGGTGACCTCAGTCAGGATGGGGTCCAGTTCTCTGAGACACATGGAGCA-3'
Protein context (NP_056201.2, residues 359-379): ILTEVTLMNA[Arg369Cys]SELYLRFLKK